The following is an entry in ClinVar:

ClinVar aggregate classification (germline): Uncertain significance. Review status: criteria provided, multiple submitters, no conflicts (2 of 4 stars). 4 submissions from 4 submitters: Uncertain significance (4). Last evaluated 2025-06-19.

Conditions:
Cardiovascular phenotype. Identifiers: MedGen CN230736.
Dilated cardiomyopathy 1HH (CMD1HH). Identifiers: Orphanet 154, MedGen C3151293, MONDO:0013479, OMIM 613881.
Myofibrillar myopathy 6. Identifiers: Orphanet 199340, MedGen C2751831, MONDO:0013061, OMIM 612954.

Allele frequency attached by ClinVar (database versions not stated): gnomAD exomes below 0.00001.
gnomAD v4.1: 4 of 1,602,110 alleles (0.00025%); highest among the groups gnomAD compares: Non-Finnish European, 0.00034%; no homozygotes.

Submissions (4):

Revvity Omics, Revvity
Classification: Uncertain significance. Last evaluated: 2025-06-19. Review status: criteria provided, single submitter. Criteria: ACMG Guidelines, 2015. Collection method: clinical testing. Allele origin: germline.

Labcorp Genetics (formerly Invitae), Labcorp
Classification: Uncertain significance for Dilated cardiomyopathy 1HH; Myofibrillar myopathy 6. Last evaluated: 2025-06-15. Review status: criteria provided, single submitter. Criteria: Invitae Variant Classification Sherloc (09022015). Collection method: clinical testing. Allele origin: germline.
Comment: This sequence change replaces phenylalanine, which is neutral and non-polar, with serine, which is neutral and polar, at codon 39 of the BAG3 protein (p.Phe39Ser). This variant is not present in population databases (gnomAD no frequency). This variant has not been reported in the literature in individuals affected with BAG3-related conditions. ClinVar contains an entry for this variant (Variation ID: 1358111). An algorithm developed to predict the effect of missense changes on protein structure and function (PolyPhen-2) suggests that this variant is likely to be disruptive. In summary, the available evidence is currently insufficient to determine the role of this variant in disease. Therefore, it has been classified as a Variant of Uncertain Significance.

Ambry Genetics
Classification: Uncertain significance for Cardiovascular phenotype. Last evaluated: 2024-07-24. Review status: criteria provided, single submitter. Criteria: Ambry Variant Classification Scheme 2023. Collection method: clinical testing. Allele origin: germline.
Comment: The p.F39S variant (also known as c.116T>C), located in coding exon 1 of the BAG3 gene, results from a T to C substitution at nucleotide position 116. The phenylalanine at codon 39 is replaced by serine, an amino acid with highly dissimilar properties. This amino acid position is highly conserved in available vertebrate species. In addition, this alteration is predicted to be deleterious by in silico analysis. Since supporting evidence is limited at this time, the clinical significance of this alteration remains unclear.

Blueprint Genetics
Classification: Uncertain significance. Last evaluated: 2022-01-07. Review status: criteria provided, single submitter. Criteria: ACMG Guidelines, 2015. Collection method: clinical testing. Allele origin: germline.

NM_004281.4(BAG3):c.116T>C (p.Phe39Ser)

Gene: BAG3 (BAG cochaperone 3; plus strand). Cytogenetic location: 10q26.11.
Variant type: single nucleotide variant.
Coding change: c.116T>C on transcript NM_004281.4 (MANE Select); coding-DNA position 116, T replaced by C.
Protein change: p.Phe39Ser; replaces phenylalanine 39 with serine.
Molecular consequence: missense variant.
Genome position (GRCh38, 1-based): chr10:119,651,791, T>C. VCF-style: chr10-119651791-T-C. GRCh37 (hg19) VCF-style: chr10-121411303-T-C.
Other names: short protein forms F39S.
Identifiers: ClinVar variation 1358111 (VCV001358111.13), dbSNP rs1472915271, ClinGen allele CA378294211.